The following is an entry in ClinVar:

NM_006031.6(PCNT):c.6276C>T (p.Ala2092=)

Gene: PCNT (pericentrin; plus strand). Cytogenetic location: 21q22.3.
Variant type: single nucleotide variant.
Coding change: c.6276C>T on transcript NM_006031.6 (MANE Select); coding-DNA position 6276, C replaced by T.
Protein change: p.Ala2092=; no amino-acid change (alanine 2092 retained).
Molecular consequence: synonymous variant.
Genome position (GRCh38, 1-based): chr21:46,416,194, C>T. VCF-style: chr21-46416194-C-T. GRCh37 (hg19) VCF-style: chr21-47836108-C-T.
Other names: c.5922C>T, p.Ala1974= (NM_001315529.2).
Identifiers: ClinVar variation 436243 (VCV000436243.12), dbSNP rs755726044, ClinGen allele CA10080298.

ClinVar aggregate classification (germline): Likely benign. Review status: criteria provided, multiple submitters, no conflicts (2 of 4 stars). 4 submissions from 4 submitters: Likely benign (3). 1 of the submissions does not count toward it. Last evaluated 2024-09-04.

Conditions:
PCNT-related disorder. Also called: PCNT-related condition.

Allele frequency attached by ClinVar (database versions not stated): ExAC 0.00002; gnomAD exomes 0.00003; TOPMed 0.00006; gnomAD 0.00007 and 0.00008.
gnomAD v4.1: 51 of 1,614,028 alleles (0.0032%); highest among the groups gnomAD compares: Middle Eastern, 0.016%; no homozygotes.

Submissions (4):

Labcorp Genetics (formerly Invitae), Labcorp
Classification: Likely benign. Last evaluated: 2024-09-04. Review status: criteria provided, single submitter. Criteria: Invitae Variant Classification Sherloc (09022015). Collection method: clinical testing. Allele origin: germline.

Blueprint Genetics
Classification: Likely benign. Last evaluated: 2020-06-12. Review status: criteria provided, single submitter. Criteria: ACMG Guidelines, 2015. Collection method: clinical testing. Allele origin: germline.

Genetic Services Laboratory, University of Chicago
Classification: Likely benign. Last evaluated: 2017-04-12. Review status: criteria provided, single submitter. Criteria: ACMG Guidelines, 2015. Collection method: clinical testing. Allele origin: germline. Affected: no.

PreventionGenetics, part of Exact Sciences
Classification: Likely benign for PCNT-related condition. Last evaluated: 2024-09-12. Review status: no assertion criteria provided. Collection method: clinical testing. Allele origin: germline. Not counted in ClinVar's aggregate classification.
Comment: This variant is classified as likely benign based on ACMG/AMP sequence variant interpretation guidelines (Richards et al. 2015 PMID: 25741868, with internal and published modifications).